The following is an entry in ClinVar:

ClinVar aggregate classification (germline): Likely pathogenic. Review status: criteria provided, single submitter (1 of 4 stars). 2 submissions from 2 submitters: Likely pathogenic (1). 1 of the submissions does not count toward it. Last evaluated 2024-05-06.

Conditions:
Autosomal recessive retinitis pigmentosa. Identifiers: MedGen C0339526.

gnomAD v4.1: 1 of 1,610,766 alleles (0.000062%); no homozygotes.

Submissions (2):

Labcorp Genetics (formerly Invitae), Labcorp
Classification: Likely pathogenic. Last evaluated: 2024-05-06. Review status: criteria provided, single submitter. Criteria: Invitae Variant Classification Sherloc (09022015). Collection method: clinical testing. Allele origin: germline.
Comment: This sequence change replaces histidine, which is basic and polar, with arginine, which is basic and polar, at codon 337 of the PDE6B protein (p.His337Arg). This variant is not present in population databases (gnomAD no frequency). This missense change has been observed in individuals with autosomal recessive PDE6B-related conditions (PMID: 27874104, 30998820, 36819107). ClinVar contains an entry for this variant (Variation ID: 979004). Advanced modeling of protein sequence and biophysical properties (such as structural, functional, and spatial information, amino acid conservation, physicochemical variation, residue mobility, and thermodynamic stability) performed at Invitae indicates that this missense variant is not expected to disrupt PDE6B protein function with a negative predictive value of 95%. In summary, the currently available evidence indicates that the variant is pathogenic, but additional data are needed to prove that conclusively. Therefore, this variant has been classified as Likely Pathogenic.

Faculty of Health Sciences, Beirut Arab University
Classification: Pathogenic for Autosomal recessive Retinitis Pigmentosa. Last evaluated: 2016-11-22. Review status: no assertion criteria provided. Collection method: literature only. Allele origin: germline. Affected: yes. Observed: 4 variant alleles. Not counted in ClinVar's aggregate classification.

Literature cited by the submitters: PubMed 27874104 (cited by Labcorp Genetics (formerly Invitae), Labcorp and Faculty of Health Sciences, Beirut Arab University); PubMed 30998820 (cited by Labcorp Genetics (formerly Invitae), Labcorp); PubMed 36819107 (cited by Labcorp Genetics (formerly Invitae), Labcorp).

NM_000283.4(PDE6B):c.1010A>G (p.His337Arg)

Gene: PDE6B (phosphodiesterase 6B; plus strand). Cytogenetic location: 4p16.3.
Variant type: single nucleotide variant.
Coding change: c.1010A>G on transcript NM_000283.4 (MANE Select); coding-DNA position 1010, A replaced by G.
Protein change: p.His337Arg; replaces histidine 337 with arginine.
Molecular consequence: missense variant. On other transcripts: intron variant (1).
Genome position (GRCh38, 1-based): chr4:655,957, A>G. VCF-style: chr4-655957-A-G. GRCh37 (hg19) VCF-style: chr4-649746-A-G.
Other names: c.1010A>G, p.His337Arg (NM_001145291.2); c.173A>G, p.His58Arg (NM_001145292.2, NM_001350154.3, NM_001379246.1 and 1 more transcripts); c.-48-917A>G (NM_001350155.3); short protein forms H337R, H58R.
Identifiers: ClinVar variation 979004 (VCV000979004.6), dbSNP rs1736178477, ClinGen allele CA355912456.
Genomic context (GRCh38, chr4:655,957, plus strand): 5'-CCAGCCCGGCGTGGCCTATCTGACCCCTGCTCTCTGCCCACAGCACACCCTCAGCCGATC[A>G]CTGGGCCCTGGCCAGCGGCCTTCCAAGCTACGTGGCAGAAAGCGGCTTTGTGAGTCCCGT-3'
Protein context (NP_000274.3, residues 327-347): IKVIPTPSAD[His337Arg]WALASGLPSY